The following is an entry in ClinVar:

ClinVar aggregate classification (germline): Uncertain significance (1 of 4 stars; one submission).

Submission:

Labcorp Genetics (formerly Invitae), Labcorp
Classification: Uncertain significance. Last evaluated: 2023-11-18. Review status: criteria provided, single submitter. Criteria: Invitae Variant Classification Sherloc (09022015). Collection method: clinical testing. Allele origin: germline.
Comment: This sequence change falls in intron 34 of the MYH9 gene. It does not directly change the encoded amino acid sequence of the MYH9 protein. Information on the frequency of this variant in the gnomAD database is not available, as this variant may be reported differently in the database. This variant has not been reported in the literature in individuals affected with MYH9-related conditions. In summary, the available evidence is currently insufficient to determine the role of this variant in disease. Therefore, it has been classified as a Variant of Uncertain Significance.

NM_002473.6(MYH9):c.4933-14_4933-13delinsAA

Genes: MIR6819 (microRNA 6819; minus strand), MYH9 (myosin heavy chain 9; minus strand). Cytogenetic location: 22q12.3.
Variant type: Indel.
Coding change: c.4933-14_4933-13delinsAA on transcript NM_002473.6 (MANE Select); 14 bases into the intron before coding-DNA position 4933 through 13 bases into the intron before coding-DNA position 4933, TG replaced by AA.
Molecular consequence: intron variant. On other transcripts: non-coding transcript variant (1).
Genome position (GRCh38, 1-based): chr22:36,286,859-36,286,860, CA replaced by TT on the plus strand (TG replaced by AA on the coding strand, the reverse complement: MYH9 is on the minus strand). VCF-style: chr22-36286859-CA-TT. GRCh37 (hg19) VCF-style: chr22-36682905-CA-TT.
Identifiers: ClinVar variation 3010136 (VCV003010136.3), dbSNP rs2517950501, ClinGen allele CA2740094826.
Genomic context (GRCh38, chr22:36,286,859, plus strand): 5'-AGAGGCGCGGGTGTCATCCAGCTCGCGCATGCAGTCCTTCATCTGGGCCTGGGGTGGGGA[CA>TT]GAGGCTTGGCACCCCACCCAGCTCCTTGGCCCTCCACCCCAACCCTCATGGGTCACCTCG-3'